The following is an entry in ClinVar:

NM_000500.9(CYP21A2):c.844G>T (p.Val282Leu)

Genes: CYP21A2 (cytochrome P450 family 21 subfamily A member 2; plus strand), LOC106780800 (CYP21A2 recombination region; plus strand). Cytogenetic location: 6p21.33.
Variant type: single nucleotide variant.
Coding change: c.844G>T on transcript NM_000500.9 (MANE Select); coding-DNA position 844, G replaced by T.
Protein change: p.Val282Leu; replaces valine 282 with leucine.
Molecular consequence: missense variant.
Genome position (GRCh38, 1-based): chr6:32,040,110, G>T. VCF-style: chr6-32040110-G-T. GRCh37 (hg19) VCF-style: chr6-32007887-G-T.
Other names: V281L; CYP21A2*15; p.Val282Leu (legacy p.Val281Leu); dbSNP:rs6471; c.754G>T, p.Val252Leu (NM_001128590.4); c.439G>T, p.Val147Leu (NM_001368143.2, NM_001368144.2); short protein forms V282L, V147L, V252L.
Identifiers: ClinVar variation 12151 (VCV000012151.72), dbSNP rs6471, ClinGen allele CA121919.
Genomic context (GRCh38, chr6:32,040,110, plus strand): 5'-CTCCAAGGGGTGGCGCAGCCGAGCATGGAAGAGGGCTCTGGACAGCTCCTGGAAGGGCAC[G>T]TGCACATGGCTGCAGTGGACCTCCTGATCGGTGGCACTGAGACCACAGCAAACACCCTCT-3'
Protein context (NP_000491.4, residues 272-292): EGSGQLLEGH[Val282Leu]HMAAVDLLIG

ClinVar aggregate classification (germline): Pathogenic/Likely pathogenic. Review status: criteria provided, multiple submitters, no conflicts (2 of 4 stars). 43 submissions from 41 submitters: Pathogenic (31); Likely pathogenic (2). 10 of the submissions do not count toward it. Last evaluated 2026-07-18.

Conditions:
CYP21A2-related disorder. Also called: CYP21A2-related condition.
Inborn genetic diseases. Identifiers: MedGen C0950123, MeSH D030342.
Congenital adrenal hyperplasia. Identifiers: Orphanet 418, MedGen C0001627, MONDO:0018479, HP:0008258.
Adenoma, cortisol-producing. Identifiers: MedGen C3151153.
Carcinoma, adrenocortical, androgen-secreting. Identifiers: MedGen C1859998.
21-Hydroxylase-Deficient Congenital Adrenal Hyperplasia. Also called: ADRENAL HYPERPLASIA, CONGENITAL, DUE TO 21-HYDROXYLASE DEFICIENCY; ADRENAL HYPERPLASIA III. Identifiers: MedGen C2936858, OMIM 201910.

Allele frequency attached by ClinVar (database versions not stated): 1000 Genomes Project 30x 0.01218.
gnomAD v4.1: 7,976 of 1,595,168 alleles (0.5%); highest among the groups gnomAD compares: Admixed American, 1.8%; 20 homozygotes.

Submissions 1 to 10 of 43:

Department of Medical Genetics, Ordu University Medical School Training and Research Hospital
Classification: Pathogenic for 21-Hydroxylase-Deficient Congenital Adrenal Hyperplasia. Last evaluated: 2026-07-18. Review status: criteria provided, single submitter. Criteria: ACMG Guidelines, 2015. Collection method: research. Allele origin: germline. Inheritance: Autosomal recessive inheritance. Affected: yes. Observed: 17 variant alleles, 16 heterozygotes, 1 homozygote.
Comment: This variant (NM_000500.9:c.844G>T, p.Val282Leu) is the most frequent non-classic 21-hydroxylase deficiency allele and was the most common non-classic allele in this cohort. ACMG/AMP criteria applied: PS3 (functional studies show partial reduction in enzyme activity consistent with the non-classic phenotype), PM3 (detected in trans with the pathogenic intron 2 splice variant c.293-13C>G, proven by parental segregation), PP4 (phenotype and biochemistry specific for CYP21A2 disease), and PP5 (well-established as Pathogenic in ClinVar). Combined evidence meets the ACMG 2015 criteria for a Pathogenic classification.

3billion
Classification: Pathogenic for 21-Hydroxylase-Deficient Congenital Adrenal Hyperplasia. Last evaluated: 2026-01-23. Review status: criteria provided, single submitter. Criteria: ACMG Guidelines, 2015. Collection method: clinical testing. Allele origin: germline. Affected: yes.
Comment: The variant is observed as homozygous in at least two unrelated individuals/adults in the gnomAD v4.1.0 dataset. Predicted Consequence/Location: Missense variant Functional studies provide strong evidence of the variant having a damaging effect on the gene or gene product (PMID: 20661889, 21609351). In silico tool predictions suggest damaging effect of the variant on gene or gene product [3Cnet: 0.89 (> 0.75, sensitivity 0.96 and precision 0.92)]. The same nucleotide change resulting in the same amino acid change has been previously reported as pathogenic/likely pathogenic with strong evidence (ClinVar ID: VCV000012151 /PMID: 3260007 /3billion dataset). The variant has been observed in multiple (>3) similarly affected unrelated individuals (PMID: 20661889, 21609351). A different missense change at the same codon (p.Val282Gly) has been reported to be associated with CYP21A2-related disorder (PMID: 10720040). Therefore, this variant is classified as Pathogenic according to the recommendation of ACMG/AMP guideline.

Rady Children's Institute for Genomic Medicine, Rady Children's Hospital San Diego
Classification: Pathogenic for Congenital adrenal hyperplasia due to 21-hydroxylase deficiency. Last evaluated: 2025-11-25. Review status: criteria provided, single submitter. Criteria: ACMG Guidelines, 2015. Collection method: clinical testing. Allele origin: germline. Affected: yes.
Comment: This variant is also referred to as p.Val281Leu by legacy nomenclature. Missense variation is an established mechanism of disease for 21-hydroxylase deficient congenital adrenal hyperplasia (PMID: 20301350). This is a known Pathogenic variant that has been previously reported as a compound heterozygous and homozygous change in patients with 21-hydroxylase-deficient congenital adrenal hyperplasia, typically the non-classic form (21-OHD CAH; PMID: 3260007, 23359698, 24953648, 26804566, 31344365, 34355878, 20301350). Functional studies have demonstrated this variant affects CYP21A2 protein function resulting in reduced enzymatic activity compared to wild type (PMID: 1864962, 2249999, 31344365). The c.844G>T (p.Val282Leu) variant is present in the gnomAD v4 population database at a frequency of 0.5% (7976/1595168), including 20 homozygous individuals. A different nucleotide change (c.844G>C) resulting in the same amino acid change has been previously reported in individuals with 21-OHD CAH (PMID: 7749410, 28819757). Additionally, a different amino acid change at the same residue (p.Val282Gly) has been previously reported in individuals with 21-OHD CAH (PMID: 10720040, 23359706). Based on the available evidence, c.844G>T (p.Val282Leu) is classified as Pathogenic.

Lildballe Lab, Aarhus University Hospital
Classification: Pathogenic for congenital adrenal hyperplasia, due to 21-hydroxylase deficiency. Last evaluated: 2025-10-09. Review status: criteria provided, single submitter. Criteria: ACMG Guidelines, 2015. Collection method: research. Allele origin: germline. Affected: yes.
Comment: PM3verystrong PS3sup PM2sup. PM1sup PP2 PS4

Ambry Genetics
Classification: Pathogenic for Inborn genetic diseases. Last evaluated: 2025-06-30. Review status: criteria provided, single submitter. Criteria: Ambry Variant Classification Scheme 2023. Collection method: clinical testing. Allele origin: germline.
Comment: The c.844G>T (p.V282L) alteration is located in coding exon 7 of the CYP21A2 gene. This alteration results from a G to T substitution at nucleotide position 844, causing the valine (V) at amino acid position 282 to be replaced by a leucine (L). Based on data from gnomAD, the T allele has an overall frequency of 0.55% (1508/273420) total alleles studied. The highest observed frequency was 2.45% (223/9116) of Ashkenazi Jewish alleles. Data at this locus may not be reliable due to high homology with a pseudogene. This alteration, previously known as V281L, was detected in 94 patients with mild forms of 21-hydroxylase-deficient congenital adrenal hyperplasia (21-OHD CAH) and compound heterozygous with a severe mutation (Ezquieta, 2010). This alteration is typically associated with non-classic 21-OHD CAH when homozygous or compound heterozygous, even with a severe pathogenic variant (New, 2013; Livadas, 2015; Rodriguez 2017). This amino acid position is not well conserved in available vertebrate species. Functional analysis demonstrated that the p.V282L alteration reduces 21-hydroxylase activity by about 50% due to an increase in chain length resulting in relatively modest steric clashes in the I-helix of the protein (Haider, 2013; New, 2013). This alteration is predicted to be tolerated by in silico analysis. Based on the available evidence, this alteration is classified as pathogenic.

Institute of Human Genetics, University of Leipzig Medical Center
Classification: Pathogenic for 21-Hydroxylase-Deficient Congenital Adrenal Hyperplasia. Last evaluated: 2025-05-26. Review status: criteria provided, single submitter. Criteria: ACMG Guidelines, 2015. Collection method: clinical testing. Allele origin: unknown. Inheritance: Autosomal recessive inheritance. Affected: yes.
Comment: Criteria applied: PM3_VSTR,PS1,PM1,PM5,PP4

Labcorp Genetics (formerly Invitae), Labcorp
Classification: Pathogenic. Last evaluated: 2025-01-27. Review status: criteria provided, single submitter. Criteria: Invitae Variant Classification Sherloc (09022015). Collection method: clinical testing. Allele origin: germline.
Comment: This sequence change replaces valine, which is neutral and non-polar, with leucine, which is neutral and non-polar, at codon 282 of the CYP21A2 protein (p.Val282Leu). The frequency data for this variant in the population databases (gnomAD) is considered unreliable due to the presence of homologous sequence, such as pseudogenes or paralogs, in the genome. This missense change has been observed in individual(s) with primarily non-classic, and less frequently, classic salt-wasting or simple virilizing, congenital adrenal hyperplasia due to 21-hydroxylase deficiency (PMID: 1644925, 23359698, 24953648, 26804566, 31344365). In at least one individual the data is consistent with being in trans (on the opposite chromosome) from a pathogenic variant. It has also been observed to segregate with disease in related individuals. This variant is also known as V281L. ClinVar contains an entry for this variant (Variation ID: 12151). Invitae Evidence Modeling of protein sequence and biophysical properties (such as structural, functional, and spatial information, amino acid conservation, physicochemical variation, residue mobility, and thermodynamic stability) indicates that this missense variant is not expected to disrupt CYP21A2 protein function with a negative predictive value of 80%. Experimental studies have shown that this missense change affects CYP21A2 function (PMID: 1864962, 2249999, 31344365). For these reasons, this variant has been classified as Pathogenic.

OLLIN Analises Genomicas, OLLIN
Classification: Pathogenic for 21-Hydroxylase-Deficient Congenital Adrenal Hyperplasia. Last evaluated: 2024-12-13. Review status: criteria provided, single submitter. Criteria: ACMG Guidelines 2015 PMID 25741868. Collection method: clinical testing. Allele origin: germline. Observed: 1 variant allele.
Comment: PS3_P, PS4, PM1, PM3_S

Blueprint Genetics
Classification: Pathogenic for CYP21A2-related disorders. Last evaluated: 2024-11-26. Review status: criteria provided, single submitter. Criteria: ACMG Guidelines, 2015. Collection method: clinical testing. Allele origin: germline. Affected: yes. Observed: 5 variant alleles.

Revvity Omics, Revvity
Classification: Pathogenic. Last evaluated: 2024-11-20. Review status: criteria provided, single submitter. Criteria: ACMG Guidelines, 2015. Collection method: clinical testing. Allele origin: germline.